The following is an entry in ClinVar:

NM_144499.3(GNAT1):c.149+3G>A

Gene: GNAT1 (G protein subunit alpha transducin 1; plus strand). Cytogenetic location: 3p21.31.
Variant type: single nucleotide variant.
Coding change: c.149+3G>A on transcript NM_144499.3 (MANE Select); 3 bases into the intron after coding-DNA position 149, G replaced by A.
Molecular consequence: intron variant.
Genome position (GRCh38, 1-based): chr3:50,193,178, G>A. VCF-style: chr3-50193178-G-A. GRCh37 (hg19) VCF-style: chr3-50230611-G-A.
Other names: c.149+3G>A (NM_000172.4).
Identifiers: ClinVar variation 1050933 (VCV001050933.5), dbSNP rs1481609578, ClinGen allele CA907936123.

ClinVar aggregate classification (germline): Uncertain significance (1 of 4 stars; one submission).

Allele frequency attached by ClinVar (database versions not stated): gnomAD exomes below 0.00001; TOPMed below 0.00001; gnomAD 0.00001.
gnomAD v4.1: 4 of 1,613,918 alleles (0.00025%); highest among the groups gnomAD compares: Non-Finnish European, 0.00034%; no homozygotes.

Submission:

Labcorp Genetics (formerly Invitae), Labcorp
Classification: Uncertain significance. Last evaluated: 2020-06-22. Review status: criteria provided, single submitter. Criteria: Invitae Variant Classification Sherloc (09022015). Collection method: clinical testing. Allele origin: germline.
Comment: This sequence change falls in intron 2 of the GNAT1 gene. It does not directly change the encoded amino acid sequence of the GNAT1 protein, but it affects a nucleotide within the consensus splice site of the intron. In summary, the available evidence is currently insufficient to determine the role of this variant in disease. Therefore, it has been classified as a Variant of Uncertain Significance. Nucleotide substitutions within the consensus splice site are a relatively common cause of aberrant splicing (PMID: 17576681, 9536098). Algorithms developed to predict the effect of sequence changes on RNA splicing suggest that this variant is not likely to affect RNA splicing, but this prediction has not been confirmed by published transcriptional studies. This variant has not been reported in the literature in individuals with GNAT1-related conditions. This variant is not present in population databases (ExAC no frequency).

Literature cited by the submitters: PubMed 17576681; PubMed 9536098.